The following is an entry in ClinVar:

NM_145200.5(CABP4):c.68C>G (p.Ala23Gly)

Gene: CABP4 (calcium binding protein 4; plus strand). Cytogenetic location: 11q13.2.
Variant type: single nucleotide variant.
Coding change: c.68C>G on transcript NM_145200.5 (MANE Select); coding-DNA position 68, C replaced by G.
Protein change: p.Ala23Gly; replaces alanine 23 with glycine.
Molecular consequence: missense variant. On other transcripts: 5 prime UTR variant (2), non-coding transcript variant (1), intron variant (1).
Genome position (GRCh38, 1-based): chr11:67,455,491, C>G. VCF-style: chr11-67455491-C-G. GRCh37 (hg19) VCF-style: chr11-67222962-C-G.
Other names: c.-316C>G (NM_001300895.3); c.-330C>G (NM_001379183.1); c.-112-218C>G (NM_001300896.3); short protein forms A23G.
Identifiers: ClinVar variation 1052243 (VCV001052243.9), dbSNP rs371921931, ClinGen allele CA381526671.

ClinVar aggregate classification (germline): Uncertain significance (1 of 4 stars; one submission).

Submission:

Labcorp Genetics (formerly Invitae), Labcorp
Classification: Uncertain significance. Last evaluated: 2023-10-13. Review status: criteria provided, single submitter. Criteria: Invitae Variant Classification Sherloc (09022015). Collection method: clinical testing. Allele origin: germline.
Comment: This sequence change replaces alanine, which is neutral and non-polar, with glycine, which is neutral and non-polar, at codon 23 of the CABP4 protein (p.Ala23Gly). This variant is not present in population databases (gnomAD no frequency). This variant has not been reported in the literature in individuals affected with CABP4-related conditions. ClinVar contains an entry for this variant (Variation ID: 1052243). Advanced modeling of protein sequence and biophysical properties (such as structural, functional, and spatial information, amino acid conservation, physicochemical variation, residue mobility, and thermodynamic stability) performed at Invitae indicates that this missense variant is not expected to disrupt CABP4 protein function. In summary, the available evidence is currently insufficient to determine the role of this variant in disease. Therefore, it has been classified as a Variant of Uncertain Significance.